The following is an entry in ClinVar:

ClinVar aggregate classification (germline): Uncertain significance (1 of 4 stars; one submission).

Conditions:
Fanconi anemia complementation group O. Also called: RAD51C-Related Fanconi Anemia. Identifiers: Orphanet 84, MedGen C3150653, MONDO:0013248, OMIM 613390.

Submissions (2):

Labcorp Genetics (formerly Invitae), Labcorp
Classification: Uncertain significance for Fanconi anemia complementation group O. Last evaluated: 2017-12-18. Review status: criteria provided, single submitter. Criteria: Invitae Variant Classification Sherloc (09022015). Collection method: clinical testing. Allele origin: germline.
Comment: In summary, the available evidence is currently insufficient to determine the role of this variant in disease. Therefore, it has been classified as a Variant of Uncertain Significance. Algorithms developed to predict the effect of missense changes on protein structure and function do not agree on the potential impact of this missense change (SIFT: "Tolerated"; PolyPhen-2: "Possibly Damaging"; Align-GVGD: "Class C0"). This variant has not been reported in the literature in individuals with RAD51C-related disease. This variant is not present in population databases (ExAC no frequency). This sequence change replaces serine with asparagine at codon 16 of the RAD51C protein (p.Ser16Asn). The serine residue is moderately conserved and there is a small physicochemical difference between serine and asparagine.

Dr. Peter K. Rogan Lab, Western University
No classification provided (evidence only). Condition: Thymoma. Review status: no classification provided. Collection method: in vitro. Allele origin: not applicable. Functional consequence: retained intron. Not counted in ClinVar's aggregate classification.

NM_058216.3(RAD51C):c.47G>A (p.Ser16Asn)

Gene: RAD51C (RAD51 paralog C; plus strand). Cytogenetic location: 17q22.
Variant type: single nucleotide variant.
Coding change: c.47G>A on transcript NM_058216.3 (MANE Select); coding-DNA position 47, G replaced by A.
Protein change: p.Ser16Asn; replaces serine 16 with asparagine.
Molecular consequence: missense variant. On other transcripts: non-coding transcript variant (1).
Genome position (GRCh38, 1-based): chr17:58,692,690, G>A. VCF-style: chr17-58692690-G-A. GRCh37 (hg19) VCF-style: chr17-56770051-G-A.
Other names: c.47G>A, p.Ser16Asn (NM_002876.4); short protein forms S16N.
Identifiers: ClinVar variation 538785 (VCV000538785.9), dbSNP rs1555591843, ClinGen allele CA400336624.
Genomic context (GRCh38, chr17:58,692,690, plus strand): 5'-CAGGTGAGCCTGCGATGCGCGGGAAGACGTTCCGCTTTGAAATGCAGCGGGATTTGGTGA[G>A]TTTCCCGCTGTCTCCAGCGGTGCGGGTGAAGCTGGTGTCTGCGGGGTTCCAGACTGCTGA-3'
Protein context (NP_478123.1, residues 6-26): FRFEMQRDLV[Ser16Asn]FPLSPAVRVK